The following is an entry in ClinVar:

NM_001673.5(ASNS):c.1031G>T (p.Gly344Val)

Genes: ASNS (asparagine synthetase (glutamine-hydrolyzing); minus strand), CZ1P-ASNS (CZ1P-ASNS readthrough; minus strand). Cytogenetic location: 7q21.3.
Variant type: single nucleotide variant.
Coding change: c.1031G>T on transcript NM_001673.5 (MANE Select); coding-DNA position 1031, G replaced by T.
Protein change: p.Gly344Val; replaces glycine 344 with valine.
Molecular consequence: missense variant. On other transcripts: non-coding transcript variant (1).
Genome position (GRCh38, 1-based): chr7:97,855,459, C>A on the plus strand (G>T on the coding strand, the complement: ASNS is on the minus strand). VCF-style: chr7-97855459-C-A. GRCh37 (hg19) VCF-style: chr7-97484771-C-A.
Other names: c.1031G>T, p.Gly344Val (NM_133436.3, NM_001352496.2, NM_183356.4); c.968G>T, p.Gly323Val (NM_001178075.2); c.782G>T, p.Gly261Val (NM_001178076.2, NM_001178077.1); short protein forms G261V, G344V, G323V.
Identifiers: ClinVar variation 934400 (VCV000934400.4), dbSNP rs543997525, ClinGen allele CA4354618.

ClinVar aggregate classification (germline): Uncertain significance. Review status: criteria provided, single submitter (1 of 4 stars). 2 submissions from 2 submitters: Uncertain significance (1). 1 of the submissions does not count toward it. Last evaluated 2021-08-13.

Conditions:
Congenital microcephaly - severe encephalopathy - progressive cerebral atrophy syndrome. Also called: Asparagine synthetase deficiency; ASNS DEFICIENCY. Identifiers: Orphanet 391376, MedGen C3809971, MONDO:0014258, OMIM 615574.

Allele frequency attached by ClinVar (database versions not stated): gnomAD 0.00001 and 0.00002; gnomAD exomes 0.00002; ExAC 0.00003; 1000 Genomes Project 0.00040; 1000 Genomes Project 30x 0.00047.

Submissions (2):

Labcorp Genetics (formerly Invitae), Labcorp
Classification: Uncertain significance. Last evaluated: 2021-08-13. Review status: criteria provided, single submitter. Criteria: Invitae Variant Classification Sherloc (09022015). Collection method: clinical testing. Allele origin: germline.
Comment: This sequence change replaces glycine with valine at codon 344 of the ASNS protein (p.Gly344Val). The glycine residue is moderately conserved and there is a moderate physicochemical difference between glycine and valine. This variant is present in population databases (rs543997525, ExAC 0.05%). This missense change has been observed in individual(s) with clinical features of ASNS-related conditions (Invitae). Algorithms developed to predict the effect of missense changes on protein structure and function are either unavailable or do not agree on the potential impact of this missense change (SIFT: "Tolerated"; PolyPhen-2: "Probably Damaging"; Align-GVGD: "Class C0"). Algorithms developed to predict the effect of sequence changes on RNA splicing suggest that this variant may disrupt the consensus splice site. In summary, the available evidence is currently insufficient to determine the role of this variant in disease. Therefore, it has been classified as a Variant of Uncertain Significance.

Natera, Inc.
Classification: Uncertain significance for Asparagine synthetase deficiency. Last evaluated: 2021-01-05. Review status: no assertion criteria provided. Collection method: clinical testing. Allele origin: germline. Not counted in ClinVar's aggregate classification.